The following is an entry in ClinVar:

ClinVar aggregate classification (germline): Likely benign (0 of 4 stars; one submission).

Conditions:
FAT3-related disorder. Also called: FAT3-related condition.

Allele frequency attached by ClinVar (database versions not stated): ExAC 0.00037; gnomAD 0.00067; TOPMed 0.00070; ESP Exome Variant Server 0.00080; gnomAD exomes 0.00157.
gnomAD v4.1: 2,423 of 1,613,786 alleles (0.15%); highest among the groups gnomAD compares: Non-Finnish European, 0.19%; 6 homozygotes.

Submission:

PreventionGenetics, part of Exact Sciences
Classification: Likely benign for FAT3-related condition. Last evaluated: 2020-01-20. Review status: no assertion criteria provided. Collection method: clinical testing. Allele origin: germline.
Comment: This variant is classified as likely benign based on ACMG/AMP sequence variant interpretation guidelines (Richards et al. 2015 PMID: 25741868, with internal and published modifications).

NM_001367949.2(FAT3):c.13293T>C (p.Tyr4431=)

Gene: FAT3 (FAT atypical cadherin 3; plus strand). Cytogenetic location: 11q14.3.
Variant type: single nucleotide variant.
Coding change: c.13293T>C on transcript NM_001367949.2 (MANE Select); coding-DNA position 13293, T replaced by C.
Protein change: p.Tyr4431=; no amino-acid change (tyrosine 4431 retained).
Molecular consequence: synonymous variant.
Genome position (GRCh38, 1-based): chr11:92,890,636, T>C. VCF-style: chr11-92890636-T-C. GRCh37 (hg19) VCF-style: chr11-92623802-T-C.
Other names: c.13197T>C, p.Tyr4399= (NM_001008781.3).
Identifiers: ClinVar variation 3044805 (VCV003044805.2), dbSNP rs372403199, ClinGen allele CA6228758.
Genomic context (GRCh38, chr11:92,890,636, plus strand): 5'-AGGGTCTGCACACCAGGGGAGCACACGGGAGCTGGAGAGCGATTACTACCTGGGTGGTTA[T>C]GACATTGACAGTGAATACCCACCCCCTCATGAAGAGGAGTTCTTGAGTCAGGACCAGCTG-3'
Protein context (NP_001354878.1, residues 4421-4441): ELESDYYLGG[Tyr4431=]DIDSEYPPPH